The following is an entry in ClinVar:

ClinVar aggregate classification (germline): Benign/Likely benign. Review status: criteria provided, multiple submitters, no conflicts (2 of 4 stars). 5 submissions from 5 submitters: Benign (1); Likely benign (2). 2 of the submissions do not count toward it. Last evaluated 2026-08-01.

Allele frequency attached by ClinVar (database versions not stated): 1000 Genomes Project 30x 0.00094; 1000 Genomes Project 0.00100; gnomAD exomes 0.00206; ExAC 0.00209; gnomAD 0.00273 and 0.00280; TOPMed 0.00276; ESP Exome Variant Server 0.00372.
gnomAD v4.1: 6,688 of 1,493,898 alleles (0.45%); highest among the groups gnomAD compares: Non-Finnish European, 0.55%; 21 homozygotes.

Submissions (5):

CeGaT Center for Human Genetics Tuebingen
Classification: Likely benign. Last evaluated: 2026-08-01. Review status: criteria provided, single submitter. Criteria: CeGaT Center For Human Genetics Tuebingen Variant Classification Criteria Version 2. Collection method: clinical testing. Allele origin: germline. Affected: yes. Observed: 7 variant alleles.
Comment: PTPRQ: BP4, BP7, BS2

Blueprint Genetics
Classification: Likely benign. Last evaluated: 2024-11-25. Review status: criteria provided, single submitter. Criteria: ACMG Guidelines, 2015. Collection method: clinical testing. Allele origin: germline.

GeneDx
Classification: Benign. Last evaluated: 2020-02-11. Review status: criteria provided, single submitter. Criteria: GeneDx Variant Classification Process June 2021. Collection method: clinical testing. Allele origin: germline. Affected: yes.

Clinical Genetics DNA and cytogenetics Diagnostics Lab, Erasmus MC, Erasmus Medical Center
Classification: Likely benign. Review status: no assertion criteria provided. Collection method: clinical testing. Allele origin: germline. Affected: yes. Study: VKGL Data-share Consensus. Not counted in ClinVar's aggregate classification.

Joint Genome Diagnostic Labs from Nijmegen and Maastricht, Radboudumc and MUMC+
Classification: Likely benign. Review status: no assertion criteria provided. Collection method: clinical testing. Allele origin: germline. Affected: yes. Study: VKGL Data-share Consensus. Not counted in ClinVar's aggregate classification.

NM_001145026.2(PTPRQ):c.5196A>C (p.Pro1732=)

Gene: PTPRQ (protein tyrosine phosphatase receptor type Q; plus strand). Cytogenetic location: 12q21.31.
Variant type: single nucleotide variant.
Coding change: c.5196A>C on transcript NM_001145026.2 (MANE Select); coding-DNA position 5196, A replaced by C.
Protein change: p.Pro1732=; no amino-acid change (proline 1732 retained).
Molecular consequence: synonymous variant.
Genome position (GRCh38, 1-based): chr12:80,616,232, A>C. VCF-style: chr12-80616232-A-C. GRCh37 (hg19) VCF-style: chr12-81010011-A-C.
Identifiers: ClinVar variation 1288252 (VCV001288252.29), dbSNP rs187900644, ClinGen allele CA6702807.